The following is an entry in ClinVar:

NM_201596.3(CACNB2):c.1753C>T (p.His585Tyr)

Gene: CACNB2 (calcium voltage-gated channel auxiliary subunit beta 2; plus strand). Cytogenetic location: 10p12.31.
Variant type: single nucleotide variant.
Coding change: c.1753C>T on transcript NM_201596.3 (MANE Select); coding-DNA position 1753, C replaced by T.
Protein change: p.His585Tyr; replaces histidine 585 with tyrosine.
Molecular consequence: missense variant.
Genome position (GRCh38, 1-based): chr10:18,539,494, C>T. VCF-style: chr10-18539494-C-T. GRCh37 (hg19) VCF-style: chr10-18828423-C-T.
Other names: c.1588C>T, p.His530Tyr (NM_000724.4); c.1555C>T, p.His519Tyr (NM_001167945.2); c.1474C>T, p.His492Tyr (NM_001330060.2); c.1609C>T, p.His537Tyr (NM_201570.3); c.1669C>T, p.His557Tyr (NM_201571.4); c.1597C>T, p.His533Tyr (NM_201572.4); c.1591C>T, p.His531Tyr (NM_201590.3); c.1639C>T, p.His547Tyr (NM_201593.3); and 2 more; short protein forms H547Y, H557Y, H492Y, H519Y, H531Y, H537Y, H561Y, H585Y.
Identifiers: ClinVar variation 3484160 (VCV003484160.1), dbSNP rs772557073.
Genomic context (GRCh38, chr10:18,539,494, plus strand): 5'-TCTGCCTACGTAGAGCCAAAGGAAGATTATTCCCATGACCACGTGGACCACTATGCCTCA[C>T]ACCGTGACCACAACCACAGAGACGAGACCCACGGGAGCAGTGACCACAGACACAGGGAGT-3'
Protein context (NP_963890.2, residues 575-595): SHDHVDHYAS[His585Tyr]RDHNHRDETH

ClinVar aggregate classification (germline): Uncertain significance (1 of 4 stars; one submission).

Conditions:
Cardiovascular phenotype. Identifiers: MedGen CN230736.

Allele frequency attached by ClinVar (database versions not stated): TOPMed 0.00002.
gnomAD v4.1: 3 of 1,613,890 alleles (0.00019%); highest among the groups gnomAD compares: Non-Finnish European, 0.00025%; no homozygotes.

Submission:

Ambry Genetics
Classification: Uncertain significance for Cardiovascular phenotype. Last evaluated: 2024-10-19. Review status: criteria provided, single submitter. Criteria: Ambry Variant Classification Scheme 2023. Collection method: clinical testing. Allele origin: germline.
Comment: The p.H531Y variant (also known as c.1591C>T), located in coding exon 13 of the CACNB2 gene, results from a C to T substitution at nucleotide position 1591. The histidine at codon 531 is replaced by tyrosine, an amino acid with similar properties. This amino acid position is conserved. In addition, the in silico prediction for this alteration is inconclusive. Based on the available evidence, the clinical significance of this variant remains unclear.